The following is an entry in ClinVar:

ClinVar aggregate classification (germline): Uncertain significance (1 of 4 stars; one submission).

Conditions:
Joubert syndrome. Also called: JOUBERT-BOLTSHAUSER SYNDROME; Familial aplasia of the vermis. Identifiers: Orphanet 475, MedGen C5979921, MONDO:0018772.
Meckel-Gruber syndrome. Also called: DYSENCEPHALIA SPLANCHNOCYSTICA; GRUBER SYNDROME; Dysencephalia splachnocystica. Identifiers: Orphanet 564, MedGen C0265215, MONDO:0018921.

Allele frequency attached by ClinVar (database versions not stated): gnomAD exomes below 0.00001 and 0.00002; gnomAD 0.00001.
gnomAD v4.1: 7 of 1,581,574 alleles (0.00044%); highest among the groups gnomAD compares: Non-Finnish European, 0.00052%; no homozygotes.

Submission:

Labcorp Genetics (formerly Invitae), Labcorp
Classification: Uncertain significance for Joubert syndrome; Meckel-Gruber syndrome. Last evaluated: 2022-03-26. Review status: criteria provided, single submitter. Criteria: Invitae Variant Classification Sherloc (09022015). Collection method: clinical testing. Allele origin: germline.
Comment: This sequence change replaces alanine, which is neutral and non-polar, with proline, which is neutral and non-polar, at codon 1142 of the CC2D2A protein (p.Ala1142Pro). This variant is present in population databases (no rsID available, gnomAD 0.008%). This variant has not been reported in the literature in individuals affected with CC2D2A-related conditions. Algorithms developed to predict the effect of missense changes on protein structure and function (SIFT, PolyPhen-2, Align-GVGD) all suggest that this variant is likely to be tolerated. In summary, the available evidence is currently insufficient to determine the role of this variant in disease. Therefore, it has been classified as a Variant of Uncertain Significance.

NM_001378615.1(CC2D2A):c.3424G>C (p.Ala1142Pro)

Genes: CC2D2A (coiled-coil and C2 domain containing 2A; plus strand), FBXL5 (F-box and leucine rich repeat protein 5; minus strand). Cytogenetic location: 4p15.32.
Variant type: single nucleotide variant.
Coding change: c.3424G>C on transcript NM_001378615.1 (MANE Select); coding-DNA position 3424, G replaced by C.
Protein change: p.Ala1142Pro; replaces alanine 1142 with proline.
Molecular consequence: missense variant.
Genome position (GRCh38, 1-based): chr4:15,569,318, G>C. VCF-style: chr4-15569318-G-C. GRCh37 (hg19) VCF-style: chr4-15570941-G-C.
Other names: c.3424G>C, p.Ala1142Pro (NM_001080522.2); c.3277G>C, p.Ala1093Pro (NM_001378617.1); short protein forms A1142P, A1093P.
Identifiers: ClinVar variation 1512848 (VCV001512848.5), dbSNP rs1277091809, ClinGen allele CA356419933.